The following is an entry in ClinVar:

ClinVar aggregate classification (germline): Uncertain significance (1 of 4 stars; one submission).

gnomAD v4.1: 1 of 1,612,288 alleles (0.000062%); highest among the groups gnomAD compares: Non-Finnish European, 0.000085%; no homozygotes.

Submission:

CeGaT Center for Human Genetics Tuebingen
Classification: Uncertain significance. Last evaluated: 2026-04-01. Review status: criteria provided, single submitter. Criteria: CeGaT Center For Human Genetics Tuebingen Variant Classification Criteria Version 2. Collection method: clinical testing. Allele origin: germline. Affected: yes. Observed: 1 variant allele.
Comment: GRIN1: PM2

NM_007327.4(GRIN1):c.911C>G (p.Pro304Arg)

Gene: GRIN1 (glutamate ionotropic receptor NMDA type subunit 1; plus strand). Cytogenetic location: 9q34.3.
Variant type: single nucleotide variant.
Coding change: c.911C>G on transcript NM_007327.4 (MANE Select); coding-DNA position 911, C replaced by G.
Protein change: p.Pro304Arg; replaces proline 304 with arginine.
Molecular consequence: missense variant.
Genome position (GRCh38, 1-based): chr9:137,156,980, C>G. VCF-style: chr9-137156980-C-G. GRCh37 (hg19) VCF-style: chr9-140051432-C-G.
Other names: c.911C>G, p.Pro304Arg (NM_000832.7, NM_021569.4); c.974C>G, p.Pro325Arg (NM_001185090.2, NM_001185091.2, NM_001437330.1 and 1 more transcripts); short protein forms P304R, P325R.
Identifiers: ClinVar variation 4874780 (VCV004874780.2).
Genomic context (GRCh38, chr9:137,156,980, plus strand): 5'-CCGTGGGCGTGGTGGCCCAGGCCGTGCACGAGCTCCTCGAGAAGGAGAACATCACCGACC[C>G]GCCGCGGGGCTGCGTGGGCAACACCAACATCTGGAAGACCGGGCCGCTCTTCAAGAGGTG-3'
Protein context (NP_015566.1, residues 294-314): ELLEKENITD[Pro304Arg]PRGCVGNTNI